The following is an entry in ClinVar:

ClinVar aggregate classification (germline): Likely benign. Review status: criteria provided, multiple submitters, no conflicts (2 of 4 stars). 4 submissions from 4 submitters: Likely benign (3). 1 of the submissions does not count toward it. Last evaluated 2026-01-24.

Conditions:
Deficiency of alpha-mannosidase (MANSA). Also called: LYSOSOMAL ALPHA-D-MANNOSIDASE DEFICIENCY; Mannosidosis, alpha-, types I and II; Alpha-Mannosidosis. Identifiers: Orphanet 61, MedGen C0024748, MONDO:0009561, OMIM 248500.

Allele frequency attached by ClinVar (database versions not stated): ESP Exome Variant Server 0.00031; gnomAD exomes 0.00007; gnomAD 0.00009; ExAC 0.00010; TOPMed 0.00011.
gnomAD v4.1: 300 of 1,613,936 alleles (0.019%); highest among the groups gnomAD compares: Non-Finnish European, 0.024%; no homozygotes.

Submissions (4):

Labcorp Genetics (formerly Invitae), Labcorp
Classification: Likely benign for Deficiency of alpha-mannosidase. Last evaluated: 2026-01-24. Review status: criteria provided, single submitter. Criteria: Invitae Variant Classification Sherloc (09022015). Collection method: clinical testing. Allele origin: germline.

CeGaT Center for Human Genetics Tuebingen
Classification: Likely benign. Last evaluated: 2024-12-01. Review status: criteria provided, single submitter. Criteria: CeGaT Center For Human Genetics Tuebingen Variant Classification Criteria Version 2. Collection method: clinical testing. Allele origin: germline. Affected: yes. Observed: 1 variant allele.
Comment: MAN2B1: BP4, BP7

Blueprint Genetics
Classification: Likely benign. Last evaluated: 2022-07-14. Review status: criteria provided, single submitter. Criteria: ACMG Guidelines, 2015. Collection method: clinical testing. Allele origin: germline.

Natera, Inc.
Classification: Uncertain significance for Alpha-mannosidosis. Last evaluated: 2020-02-13. Review status: no assertion criteria provided. Collection method: clinical testing. Allele origin: germline. Not counted in ClinVar's aggregate classification.

NM_000528.4(MAN2B1):c.474C>T (p.Asn158=)

Gene: MAN2B1 (mannosidase alpha class 2B member 1; minus strand). Cytogenetic location: 19p13.13.
Variant type: single nucleotide variant.
Coding change: c.474C>T on transcript NM_000528.4 (MANE Select); coding-DNA position 474, C replaced by T.
Protein change: p.Asn158=; no amino-acid change (asparagine 158 retained).
Molecular consequence: synonymous variant.
Genome position (GRCh38, 1-based): chr19:12,664,948, G>A on the plus strand (C>T on the coding strand, the complement: MAN2B1 is on the minus strand). VCF-style: chr19-12664948-G-A. GRCh37 (hg19) VCF-style: chr19-12775762-G-A.
Other names: c.474C>T, p.Asn158= (NM_001173498.2).
Identifiers: ClinVar variation 740968 (VCV000740968.25), dbSNP rs146331898, ClinGen allele CA9226789.
Genomic context (GRCh38, chr19:12,664,948, plus strand): 5'-AAAGCGCAGCCCAAGTGTCATCTGGTCCACGATGGCACCGTAGTGGGTGGCTGCCTCATC[G>A]TTCATCACCCAGCCACCATTGGCGAACTCCAGGCGCCCTGTGCCAGGACAGGCAAGGTCA-3'
Protein context (NP_000519.2, residues 148-168): LEFANGGWVM[Asn158=]DEAATHYGAI